The following is an entry in ClinVar:

ClinVar aggregate classification (germline): Uncertain significance. Review status: criteria provided, multiple submitters, no conflicts (2 of 4 stars). 2 submissions from 2 submitters: Uncertain significance (2). Last evaluated 2026-08-25.

Conditions:
Familial thoracic aortic aneurysm and aortic dissection (TAAD). Also called: Thoracic aortic aneurysms and dissections. Identifiers: Orphanet 91387, MedGen C4707243, MONDO:0019625.
Marfan syndrome (MFS). Also called: FBN1-Related Marfan Syndrome; Marfan syndrome type 1; Marfan's syndrome; MARFAN SYNDROME, TYPE I; Marfan syndrome, classic. Identifiers: Orphanet 284963, Orphanet 558, MedGen C0024796, MONDO:0007947, OMIM 154700.

gnomAD v4.1: 2 of 1,613,706 alleles (0.00012%); highest among the groups gnomAD compares: East Asian, 0.0022%; no homozygotes.

Submissions (2):

Ambry Genetics
Classification: Uncertain significance for Familial thoracic aortic aneurysm and aortic dissection. Last evaluated: 2026-08-25. Review status: criteria provided, single submitter. Criteria: Ambry Variant Classification Scheme 2023. Collection method: clinical testing. Allele origin: germline.
Comment: The c.1468+4C>A intronic variant results from a C to A substitution 4 nucleotides after coding exon 11 in the FBN1 gene. This nucleotide position is poorly conserved in available vertebrate species. In silico splice site analysis predicts that this alteration will not have any significant effect on splicing. Based on the available evidence, the clinical significance of this variant remains unclear.

Labcorp Genetics (formerly Invitae), Labcorp
Classification: Uncertain significance for Marfan syndrome; Familial thoracic aortic aneurysm and aortic dissection. Last evaluated: 2025-10-08. Review status: criteria provided, single submitter. Criteria: Invitae Variant Classification Sherloc (09022015). Collection method: clinical testing. Allele origin: germline.
Comment: This sequence change falls in intron 12 of the FBN1 gene. It does not directly change the encoded amino acid sequence of the FBN1 protein. It affects a nucleotide within the consensus splice site. This variant is not present in population databases (gnomAD no frequency). Disruption of this splice site has been observed in individual(s) with Marfan syndrome (PMID: 31098894). ClinVar contains an entry for this variant (Variation ID: 316385). Variants that disrupt the consensus splice site are a relatively common cause of aberrant splicing (PMID: 17576681, 9536098). Algorithms developed to predict the effect of sequence changes on RNA splicing suggest that this variant is not likely to affect RNA splicing. In summary, the available evidence is currently insufficient to determine the role of this variant in disease. Therefore, it has been classified as a Variant of Uncertain Significance.

Literature cited by the submitters: PubMed 31098894 (cited by Labcorp Genetics (formerly Invitae), Labcorp); PubMed 17576681 (cited by Labcorp Genetics (formerly Invitae), Labcorp); PubMed 9536098 (cited by Labcorp Genetics (formerly Invitae), Labcorp).

NM_000138.5(FBN1):c.1468+4C>A

Gene: FBN1 (fibrillin 1; minus strand). Cytogenetic location: 15q21.1.
Variant type: single nucleotide variant.
Coding change: c.1468+4C>A on transcript NM_000138.5 (MANE Select); 4 bases into the intron after coding-DNA position 1468, C replaced by A.
Molecular consequence: intron variant.
Genome position (GRCh38, 1-based): chr15:48,515,383, G>T on the plus strand (C>A on the coding strand, the complement: FBN1 is on the minus strand). VCF-style: chr15-48515383-G-T. GRCh37 (hg19) VCF-style: chr15-48807580-G-T.
Identifiers: ClinVar variation 316385 (VCV000316385.7), dbSNP rs765579667, ClinGen allele CA10646200.
Genomic context (GRCh38, chr15:48,515,383, plus strand): 5'-CCAGTAGAGTCAAGGAACAGAATTACAACAGACCCTTGGTGCCAACCTAGGATGGATCAC[G>T]TACCAATACACTCCCCACGGAGGTCCAGCTGGAACCCTTTGTTGCACTCACACCGGTAAC-3'